The following is an entry in ClinVar:

NM_001374353.1(GLI2):c.2873G>A (p.Arg958Gln)

Gene: GLI2 (GLI family zinc finger 2; plus strand). Cytogenetic location: 2q14.2.
Variant type: single nucleotide variant.
Coding change: c.2873G>A on transcript NM_001374353.1 (MANE Select); coding-DNA position 2873, G replaced by A.
Protein change: p.Arg958Gln; replaces arginine 958 with glutamine.
Molecular consequence: missense variant.
Genome position (GRCh38, 1-based): chr2:120,988,838, G>A. VCF-style: chr2-120988838-G-A. GRCh37 (hg19) VCF-style: chr2-121746414-G-A.
Other names: c.2924G>A, p.Arg975Gln (NM_001371271.1, NM_005270.5); c.2498G>A, p.Arg833Gln (NM_001374354.1); short protein forms R833Q, R958Q, R975Q.
Identifiers: ClinVar variation 4887544 (VCV004887544.1).

ClinVar aggregate classification (germline): Uncertain significance (1 of 4 stars; one submission).

gnomAD v4.1: 30 of 1,471,940 alleles (0.002%); highest among the groups gnomAD compares: Middle Eastern, 0.02%; no homozygotes.

Submission:

Women's Health and Genetics/Laboratory Corporation of America, LabCorp
Classification: Uncertain significance. Last evaluated: 2026-06-03. Review status: criteria provided, single submitter. Criteria: LabCorp Variant Classification Summary - May 2015. Collection method: clinical testing. Allele origin: germline.
Comment: Variant summary: GLI2 c.2924G>A (p.Arg975Gln) results in a conservative amino acid change in the encoded protein sequence. Algorithms developed to predict the effect of missense changes on protein structure and function are either unavailable or do not agree on the potential impact of this missense change. The variant was absent in 100228 control chromosomes. The available data on variant occurrences in the general population are insufficient to allow any conclusion about variant significance. To our knowledge, no occurrence of c.2924G>A in individuals affected with GLI2-related conditions and no experimental evidence demonstrating its impact on protein function have been reported. No submitters have cited clinical-significance assessments for this variant to ClinVar. Based on the evidence outlined above, the variant was classified as uncertain significance.